The following is an entry in ClinVar:

ClinVar aggregate classification (germline): Pathogenic (1 of 4 stars; one submission).

Submission:

Labcorp Genetics (formerly Invitae), Labcorp
Classification: Pathogenic. Last evaluated: 2023-02-14. Review status: criteria provided, single submitter. Criteria: Invitae Variant Classification Sherloc (09022015). Collection method: clinical testing. Allele origin: germline.
Comment: This sequence change creates a premature translational stop signal (p.Ala154Profs*33) in the HMOX1 gene. It is expected to result in an absent or disrupted protein product. Loss-of-function variants in HMOX1 are known to be pathogenic (PMID: 9884342, 21088618). This variant is not present in population databases (gnomAD no frequency). This variant has not been reported in the literature in individuals affected with HMOX1-related conditions. For these reasons, this variant has been classified as Pathogenic.

Literature cited by the submitters: PubMed 9884342; PubMed 21088618.

NM_002133.3(HMOX1):c.459del (p.Ala154fs)

Gene: HMOX1 (heme oxygenase 1; plus strand). Cytogenetic location: 22q12.3.
Variant type: Deletion.
Coding change: c.459del on transcript NM_002133.3 (MANE Select); coding-DNA position 459, one base deleted (A; older notation c.459delA).
Protein change: p.Ala154fs; shifts the reading frame from alanine 154.
Molecular consequence: frameshift variant.
Genome position (GRCh38, 1-based): chr22:35,386,999, A deleted; the last of 3 consecutive A bases (chr22:35,386,997-35,386,999); deleting any one gives the same sequence. VCF-style (leftmost placement, unchanged base first): chr22-35386996-GA-G. GRCh37 (hg19) VCF-style: chr22-35782989-GA-G.
Other names: short protein forms A154fs.
Identifiers: ClinVar variation 2837038 (VCV002837038.3), dbSNP rs2517864367, ClinGen allele CA2739267930.